The following is an entry in ClinVar:

ClinVar aggregate classification (germline): Pathogenic (1 of 4 stars; one submission).

Conditions:
Ataxia-telangiectasia syndrome (AT). Also called: ATAXIA-TELANGIECTASIA, FRESNO VARIANT; Ataxia-telangiectasia, complementation group E; Ataxia telangiectasia (A-T); Cerebello-oculocutaneous telangiectasia; Immunodeficiency with ataxia telangiectasia; LOUIS-BAR SYNDROME. Identifiers: Orphanet 100, MedGen C0004135, MONDO:0008840, OMIM 208900.

Submission:

Labcorp Genetics (formerly Invitae), Labcorp
Classification: Pathogenic for Ataxia-telangiectasia syndrome. Last evaluated: 2019-02-04. Review status: criteria provided, single submitter. Criteria: Invitae Variant Classification Sherloc (09022015). Collection method: clinical testing. Allele origin: germline.
Comment: This variant is a gross deletion of the genomic region encompassing exons 2-4 of the ATM gene, which includes the initiator codon. The 5' end of this event is unknown as it extends beyond the assayed region for this gene and therefore may encompass additional genes. The 3' boundary is likely confined to intron 4 of the ATM gene. This is expected to result in an absent or disrupted protein product. Similar deletion of exons 2-4 has not been reported in the literature in individuals with ATM-related disease. However, a deletion of exons 2-3 (also known as exons 1-2 in the literature), which removes the initiator codon in exon 2, has been observed in individuals affected with breast cancer (PMID: 28486781). Loss-of-function variants in ATM are known to be pathogenic (PMID: 23807571, 25614872). For these reasons, this variant has been classified as Pathogenic.

Literature cited by the submitters: PubMed 28486781.

NC_000011.10:g.(?_108227615)_(108229333_?)del

Gene: ATM (ATM serine/threonine kinase; plus strand). Cytogenetic location: 11q22.3.
Variant type: Deletion.
Identifiers: ClinVar variation 648529 (VCV000648529.2).